The following is an entry in ClinVar:

ClinVar aggregate classification (germline): Pathogenic (1 of 4 stars; one submission).

Allele frequency attached by ClinVar (database versions not stated): gnomAD exomes below 0.00001.
gnomAD v4.1: 1 of 1,535,540 alleles (0.000065%); highest among the groups gnomAD compares: Non-Finnish European, 0.000088%; no homozygotes.

Submission:

Labcorp Genetics (formerly Invitae), Labcorp
Classification: Pathogenic. Last evaluated: 2021-07-14. Review status: criteria provided, single submitter. Criteria: Invitae Variant Classification Sherloc (09022015). Collection method: clinical testing. Allele origin: germline.
Comment: For these reasons, this variant has been classified as Pathogenic. This variant has not been reported in the literature in individuals affected with ROR2-related conditions. The frequency data for this variant in the population databases is considered unreliable, as metrics indicate insufficient coverage at this position in the ExAC database. This sequence change creates a premature translational stop signal (p.Ser32*) in the ROR2 gene. It is expected to result in an absent or disrupted protein product. Loss-of-function variants in ROR2 are known to be pathogenic (PMID: 10932186).

Literature cited by the submitters: PubMed 10932186.

NM_004560.4(ROR2):c.95C>A (p.Ser32Ter)

Gene: ROR2 (receptor tyrosine kinase like orphan receptor 2; minus strand). Cytogenetic location: 9q22.31.
Variant type: single nucleotide variant.
Coding change: c.95C>A on transcript NM_004560.4 (MANE Select); coding-DNA position 95, C replaced by A.
Protein change: p.Ser32Ter; replaces serine 32 with a stop codon.
Molecular consequence: nonsense.
Genome position (GRCh38, 1-based): chr9:91,949,869, G>T on the plus strand (C>A on the coding strand, the complement: ROR2 is on the minus strand). VCF-style: chr9-91949869-G-T. GRCh37 (hg19) VCF-style: chr9-94712151-G-T.
Other names: c.95C>A, p.Ser32Ter (NM_001318204.2); short protein forms S32*.
Identifiers: ClinVar variation 1432569 (VCV001432569.6), dbSNP rs2118125388, ClinGen allele CA373841440.